The following is an entry in ClinVar:

ClinVar aggregate classification (germline): Pathogenic/Likely pathogenic. Review status: criteria provided, multiple submitters, no conflicts (2 of 4 stars). 6 submissions from 6 submitters: Pathogenic (1); Likely pathogenic (5). Last evaluated 2026-09-08.

Conditions:
Fabry disease. Also called: Angiokeratoma corporis diffusum; Ceramide trihexosidosis; Fabry's disease; ALPHA-GALACTOSIDASE A DEFICIENCY; ANDERSON-FABRY DISEASE; CERAMIDE TRIHEXOSIDASE DEFICIENCY. Identifiers: Orphanet 324, MedGen C0002986, MONDO:0010526, OMIM 301500, HP:0001071. Disease mechanism: Fabry disease is due to inactivating mutations in the X-linked GLA gene resulting in deficiency of the enzyme Alpha Galactosidase-A., loss of function.

Submissions (6):

Genomenon, Inc
Classification: Likely pathogenic for Fabry disease. Last evaluated: 2026-09-08. Review status: criteria provided, single submitter. Criteria: Genomenon Sequence Variant Interpretation Standards - Updated. Collection method: curation. Allele origin: germline. Affected: yes.
Comment: GLA p.Asp109Gly (c.326A>G) is a missense variant that changes the amino acid at codon 109 from Aspartic acid to Glycine. This variant has been observed in at least one proband with clinical features consistent with Fabry disease (PMID:31392112;38410281). At least one functional study has demonstrated a substantial alteration in protein function relative to the wild-type (PMID:27657681). It is absent or not present at a significant frequency in gnomAD. In silico models predict that this variant is possibly or probably damaging. In conclusion, we classify GLA p.Asp109Gly (c.326A>G) as a likely pathogenic variant.

Women's Health and Genetics/Laboratory Corporation of America, LabCorp
Classification: Pathogenic for Fabry disease. Last evaluated: 2025-01-20. Review status: criteria provided, single submitter. Criteria: LabCorp Variant Classification Summary - May 2015. Collection method: clinical testing. Allele origin: germline.
Comment: Variant summary: GLA c.326A>G (p.Asp109Gly) results in a non-conservative amino acid change located in the glycosyl hydrolase family 27 domain (IPR002241) of the encoded protein sequence. Five of five in-silico tools predict a damaging effect of the variant on protein function. The variant was absent in 183447 control chromosomes. c.326A>G has been reported in the literature in multiple individuals affected with Fabry Disease. This variant segregated in ten individuals with reduced alpha-galactosidase A activity from a Spanish family with multiple members undergoing hemodialysis, including two females. The authors note that both male and female relatives had similar levels of enzymatic activity (Herrera_2014). Additionally, c.326A>G was identified in at least two individuals with reduced alpha-galactosidase A activity from an Argentinian cohort undergoing dialysis (Fabrasil_2019). These data indicate that the variant is very likely to be associated with disease. At least one publication reports experimental evidence evaluating an impact on protein function utilizing transfected HEK 293 cells; this variant was found to result in approximately 2.6% of WT alpha-galactosidase A activity. The following publications have been ascertained in the context of this evaluation (PMID: 31392112, 24365053, 27657681). ClinVar contains an entry for this variant (Variation ID: 419957). Based on the evidence outlined above, the variant was classified as pathogenic.

GeneDx
Classification: Likely pathogenic. Last evaluated: 2024-11-04. Review status: criteria provided, single submitter. Criteria: GeneDx Variant Classification Process June 2021. Collection method: clinical testing. Allele origin: germline. Affected: yes.
Comment: Published functional studies demonstrate a damaging effect on alpha-galactosidase A activity (PMID: 27657681); Not observed at significant frequency in large population cohorts (gnomAD); In silico analysis supports that this missense variant has a deleterious effect on protein structure/function; This variant is associated with the following publications: (PMID: 34282462, 31798221, Manassero2017[Abstract], 30890379, 38410281, Perretta2020[Paper], 31392112, 24365053, 27657681)

Revvity Omics, Revvity
Classification: Likely pathogenic. Last evaluated: 2024-08-07. Review status: criteria provided, single submitter. Criteria: ACMG Guidelines, 2015. Collection method: clinical testing. Allele origin: germline.

Mendelics
Classification: Likely pathogenic for Fabry disease. Last evaluated: 2022-05-04. Review status: criteria provided, single submitter. Criteria: Mendelics Assertion Criteria 2019. Collection method: clinical testing. Allele origin: germline.

Labcorp Genetics (formerly Invitae), Labcorp
Classification: Likely pathogenic for Fabry disease. Last evaluated: 2022-03-30. Review status: criteria provided, single submitter. Criteria: Invitae Variant Classification Sherloc (09022015). Collection method: clinical testing. Allele origin: germline.
Comment: In summary, the currently available evidence indicates that the variant is pathogenic, but additional data are needed to prove that conclusively. Therefore, this variant has been classified as Likely Pathogenic. Algorithms developed to predict the effect of missense changes on protein structure and function (SIFT, PolyPhen-2, Align-GVGD) all suggest that this variant is likely to be disruptive. ClinVar contains an entry for this variant (Variation ID: 419957). This missense change has been observed in individual(s) with Fabry disease (PMID: 24365053, 31392112). It has also been observed to segregate with disease in related individuals. This variant is not present in population databases (gnomAD no frequency). This sequence change replaces aspartic acid, which is acidic and polar, with glycine, which is neutral and non-polar, at codon 109 of the GLA protein (p.Asp109Gly).

Literature cited by the submitters: PubMed 31392112 (cited by 3 submitters); PubMed 38410281 (cited by Genomenon, Inc); PubMed 27657681 (cited by Genomenon, Inc and Women's Health and Genetics/Laboratory Corporation of America, LabCorp); PubMed 24365053 (cited by Women's Health and Genetics/Laboratory Corporation of America, LabCorp and Labcorp Genetics (formerly Invitae), Labcorp).

NM_000169.3(GLA):c.326A>G (p.Asp109Gly)

Genes: GLA (galactosidase alpha; minus strand), RPL36A-HNRNPH2 (RPL36A-HNRNPH2 readthrough; plus strand). Cytogenetic location: Xq22.1.
Variant type: single nucleotide variant.
Coding change: c.326A>G on transcript NM_000169.3 (MANE Select); coding-DNA position 326, A replaced by G.
Protein change: p.Asp109Gly; replaces aspartic acid 109 with glycine.
Molecular consequence: missense variant. On other transcripts: non-coding transcript variant (3), intron variant (2).
Genome position (GRCh38, 1-based): chrX:101,403,854, T>C on the plus strand (A>G on the coding strand, the complement: GLA is on the minus strand). VCF-style: chrX-101403854-T-C. GRCh37 (hg19) VCF-style: chrX-100658842-T-C.
Other names: c.449A>G, p.Asp150Gly (NM_001406747.1, NM_001406749.1); c.326A>G, p.Asp109Gly (NM_001406748.1); c.301-8082T>C (NM_001199973.2); c.178-8082T>C (NM_001199974.2); short protein forms D109G, D150G.
Identifiers: ClinVar variation 419957 (VCV000419957.14), dbSNP rs1064794205, ClinGen allele CA16621162.
Genomic context (GRCh38, chrX:101,403,854, plus strand): 5'-ATTATCTATAAACTCACATAATTAGCTAGCTGGCGAATCCCATGAGGAAAGCGCTGAGGG[T>C]CTGCCTGAAGTCTGCCTTCTGAATCTCTTTGGGGAGCCATCCAACAGTCATCAATGCAGA-3'
Protein context (NP_000160.1, residues 99-119): QRDSEGRLQA[Asp109Gly]PQRFPHGIRQ